The following is an entry in ClinVar:

ClinVar aggregate classification (germline): Conflicting classifications of pathogenicity. Review status: criteria provided, conflicting classifications (1 of 4 stars). 6 submissions from 6 submitters: Uncertain significance (4); Likely benign (2). Last evaluated 2025-09-09.

Conditions:
Inborn genetic diseases. Identifiers: MedGen C0950123, MeSH D030342.
Charcot-Marie-Tooth disease type 4. Also called: Charcot-Marie-Tooth disease, type IV; Charcot-Marie-Tooth, Type 4. Identifiers: Orphanet 64749, MedGen C4082197, MONDO:0018995.
PRX-related disorder. Also called: PRX-related condition; PRX-Related Disorders.
Charcot-Marie-Tooth disease. Also called: Charcot-Marie-Tooth Neuropathy; Charcot-Marie-Tooth Hereditary Neuropathy. Identifiers: Orphanet 166, MedGen C0007959, MONDO:0015626.

Allele frequency attached by ClinVar (database versions not stated): gnomAD 0.00004 and 0.00011; TOPMed 0.00006; ESP Exome Variant Server 0.00008; gnomAD exomes 0.00015 and 0.00027; ExAC 0.00021.
gnomAD v4.1: 238 of 1,614,156 alleles (0.015%); highest among the groups gnomAD compares: South Asian, 0.2%; 3 homozygotes.

Submissions (6):

Ambry Genetics
Classification: Uncertain significance for Inborn genetic diseases. Last evaluated: 2025-09-09. Review status: criteria provided, single submitter. Criteria: Ambry Variant Classification Scheme 2023. Collection method: clinical testing. Allele origin: germline.

PreventionGenetics, part of Exact Sciences
Classification: Likely benign for PRX-related condition. Last evaluated: 2025-06-24. Review status: criteria provided, single submitter. Criteria: ACMG Guidelines, 2015. Collection method: clinical testing. Allele origin: germline.
Comment: This variant is classified as likely benign based on ACMG/AMP sequence variant interpretation guidelines (Richards et al. 2015 PMID: 25741868, with internal and published modifications).

GeneDx
Classification: Uncertain significance. Last evaluated: 2024-06-13. Review status: criteria provided, single submitter. Criteria: GeneDx Variant Classification Process June 2021. Collection method: clinical testing. Allele origin: germline.
Comment: In silico analysis supports that this missense variant has a deleterious effect on protein structure/function; Observed in individuals with suspected Charcot-Marie-Tooth disease in published literature (PMID: 32376792); This variant is associated with the following publications: (PMID: 32376792)

CeGaT Center for Human Genetics Tuebingen
Classification: Likely benign. Last evaluated: 2022-09-01. Review status: criteria provided, single submitter. Criteria: CeGaT Center For Human Genetics Tuebingen Variant Classification Criteria Version 2. Collection method: clinical testing. Allele origin: germline. Affected: yes. Observed: 2 variant alleles.
Comment: PRX: BP4

Labcorp Genetics (formerly Invitae), Labcorp
Classification: Uncertain significance for Charcot-Marie-Tooth disease type 4. Last evaluated: 2022-07-26. Review status: criteria provided, single submitter. Criteria: Invitae Variant Classification Sherloc (09022015). Collection method: clinical testing. Allele origin: germline.
Comment: This sequence change replaces proline, which is neutral and non-polar, with serine, which is neutral and polar, at codon 408 of the PRX protein (p.Pro408Ser). This variant is present in population databases (rs150244426, gnomAD 0.2%). This missense change has been observed in individual(s) with clinical features of Charcot-Marie-Tooth disease (PMID: 32376792). ClinVar contains an entry for this variant (Variation ID: 444468). Algorithms developed to predict the effect of missense changes on protein structure and function are either unavailable or do not agree on the potential impact of this missense change (SIFT: "Tolerated"; PolyPhen-2: "Possibly Damaging"; Align-GVGD: "Class C0"). In summary, the available evidence is currently insufficient to determine the role of this variant in disease. Therefore, it has been classified as a Variant of Uncertain Significance.

Molecular Genetics Laboratory, London Health Sciences Centre
Classification: Uncertain significance for Charcot-Marie-Tooth disease. Review status: criteria provided, single submitter. Criteria: ACMG Guidelines, 2015. Collection method: clinical testing. Allele origin: germline. Affected: yes.

Literature cited by the submitters: PubMed 32376792 (cited by Labcorp Genetics (formerly Invitae), Labcorp).

NM_181882.3(PRX):c.1222C>T (p.Pro408Ser)

Gene: PRX (periaxin; minus strand). Cytogenetic location: 19q13.2.
Variant type: single nucleotide variant.
Coding change: c.1222C>T on transcript NM_181882.3 (MANE Select); coding-DNA position 1222, C replaced by T.
Protein change: p.Pro408Ser; replaces proline 408 with serine.
Molecular consequence: missense variant. On other transcripts: 3 prime UTR variant (1).
Genome position (GRCh38, 1-based): chr19:40,397,130, G>A on the plus strand (C>T on the coding strand, the complement: PRX is on the minus strand). VCF-style: chr19-40397130-G-A. GRCh37 (hg19) VCF-style: chr19-40903037-G-A.
Other names: c.*1427C>T (NM_020956.2); short protein forms P408S.
Identifiers: ClinVar variation 444468 (VCV000444468.55), dbSNP rs150244426, ClinGen allele CA9444299.
Genomic context (GRCh38, chr19:40,397,130, plus strand): 5'-CGATGCCAAGGGAGGGCATCTTGATGGTGGGCAGCTTCAGCTTGCTCTCTACAACTTCAG[G>A]AGCAGCGGGCCGGGGCTCCAAGAGGGAAAGCCCAAAGGTGGGCATTCGAAGTCTGGGACC-3'
Protein context (NP_870998.2, residues 398-418): LSLLEPRPAA[Pro408Ser]EVVESKLKLP